The following is an entry in ClinVar:

NM_001035.3(RYR2):c.2451T>G (p.Pro817=)

Gene: RYR2 (ryanodine receptor 2; plus strand). Cytogenetic location: 1q43.
Variant type: single nucleotide variant.
Coding change: c.2451T>G on transcript NM_001035.3 (MANE Select); coding-DNA position 2451, T replaced by G.
Protein change: p.Pro817=; no amino-acid change (proline 817 retained).
Molecular consequence: synonymous variant.
Genome position (GRCh38, 1-based): chr1:237,503,343, T>G. VCF-style: chr1-237503343-T-G. GRCh37 (hg19) VCF-style: chr1-237666643-T-G.
Identifiers: ClinVar variation 925761 (VCV000925761.13), dbSNP rs1664864797, ClinGen allele CA423816365.

ClinVar aggregate classification (germline): Likely benign. Review status: criteria provided, multiple submitters, no conflicts (2 of 4 stars). 3 submissions from 3 submitters: Likely benign (3). Last evaluated 2025-11-18.

Conditions:
Catecholaminergic polymorphic ventricular tachycardia (CVPT). Also called: Catecholamine-induced polymorphic ventricular tachycardia. Identifiers: Orphanet 3286, MedGen C5574922, MONDO:0017990.
Catecholaminergic polymorphic ventricular tachycardia 1. Also called: VENTRICULAR TACHYCARDIA, CATECHOLAMINERGIC POLYMORPHIC, 1, WITH OR WITHOUT ATRIAL DYSFUNCTION AND/OR DILATED CARDIOMYOPATHY; RYR2-Related Catecholaminergic Polymorphic Ventricular Tachycardia; VENTRICULAR TACHYCARDIA, STRESS-INDUCED POLYMORPHIC 1. Identifiers: Orphanet 3286, MedGen C1631597, MONDO:0011484, OMIM 604772.
Cardiomyopathy (CMYO). Also called: Cardiomyopathies. Identifiers: Orphanet 167848, MedGen C0878544, MONDO:0004994, HP:0001638. Inheritance: Various modes of inheritance.

Allele frequency attached by ClinVar (database versions not stated): gnomAD exomes 0.00001.
gnomAD v4.1: 9 of 1,613,908 alleles (0.00056%); highest among the groups gnomAD compares: Non-Finnish European, 0.00076%; no homozygotes.

Submissions (3):

Labcorp Genetics (formerly Invitae), Labcorp
Classification: Likely benign for Catecholaminergic polymorphic ventricular tachycardia 1. Last evaluated: 2025-11-18. Review status: criteria provided, single submitter. Criteria: Invitae Variant Classification Sherloc (09022015). Collection method: clinical testing. Allele origin: germline.

All of Us Research Program, National Institutes of Health
Classification: Likely benign for Catecholaminergic polymorphic ventricular tachycardia. Last evaluated: 2023-11-13. Review status: criteria provided, single submitter. Criteria: ACMG Guidelines, 2015. Collection method: clinical testing. Allele origin: germline. Inheritance: Autosomal dominant inheritance. Observed: 4 variant alleles, 4 heterozygotes.
Comment: This study involves interpretation of variants in research participants for the purpose of population health screening. Participant phenotype was not available at the time of variant classification. Additional details can be found in publication PMID: 35346344, PMCID: PMC8962531

Color Diagnostics, LLC DBA Color Health
Classification: Likely benign for Cardiomyopathy. Last evaluated: 2018-12-18. Review status: criteria provided, single submitter. Criteria: ACMG Guidelines, 2015. Collection method: clinical testing. Allele origin: germline.